The following is an entry in ClinVar:

NM_005228.5(EGFR):c.1511A>G (p.Gln504Arg)

Gene: EGFR (epidermal growth factor receptor; plus strand). Cytogenetic location: 7p11.2.
Variant type: single nucleotide variant.
Coding change: c.1511A>G on transcript NM_005228.5 (MANE Select); coding-DNA position 1511, A replaced by G.
Protein change: p.Gln504Arg; replaces glutamine 504 with arginine.
Molecular consequence: missense variant.
Genome position (GRCh38, 1-based): chr7:55,161,511, A>G. VCF-style: chr7-55161511-A-G. GRCh37 (hg19) VCF-style: chr7-55229204-A-G.
Other names: c.1511A>G (NM_005228.3); c.1376A>G, p.Gln459Arg (NM_001346897.2, NM_001346899.2); c.1511A>G, p.Gln504Arg (NM_001346898.2, NM_201282.2, NM_201284.2); c.1352A>G, p.Gln451Arg (NM_001346900.2); c.710A>G, p.Gln237Arg (NM_001346941.2); short protein forms Q459R, Q504R, Q237R, Q451R.
Identifiers: ClinVar variation 1350070 (VCV001350070.9), dbSNP rs2128942709, ClinGen allele CA367579786.

ClinVar aggregate classification (germline): Conflicting classifications of pathogenicity. Review status: criteria provided, conflicting classifications (1 of 4 stars). 2 submissions from 2 submitters: Uncertain significance (1); Likely benign (1). Last evaluated 2024-12-03.

Conditions:
Hereditary cancer-predisposing syndrome. Also called: Hereditary neoplastic syndrome; Tumor predisposition; Neoplastic Syndromes, Hereditary; Hereditary Cancer Syndrome. Identifiers: Orphanet 140162, MedGen C0027672, MeSH D009386, MONDO:0015356.
EGFR-related lung cancer (EGFR). Identifiers: MedGen CN130014.

Allele frequency attached by ClinVar (database versions not stated): gnomAD exomes 0.00001.
gnomAD v4.1: 8 of 1,614,108 alleles (0.0005%); highest among the groups gnomAD compares: Non-Finnish European, 0.00068%; no homozygotes.

Submissions (2):

Ambry Genetics
Classification: Likely benign for Hereditary cancer-predisposing syndrome. Last evaluated: 2024-12-03. Review status: criteria provided, single submitter. Criteria: Ambry Variant Classification Scheme 2023. Collection method: clinical testing. Allele origin: germline.

Labcorp Genetics (formerly Invitae), Labcorp
Classification: Uncertain significance for EGFR-related lung cancer. Last evaluated: 2021-06-21. Review status: criteria provided, single submitter. Criteria: Invitae Variant Classification Sherloc (09022015). Collection method: clinical testing. Allele origin: germline.
Comment: In summary, the available evidence is currently insufficient to determine the role of this variant in disease. Therefore, it has been classified as a Variant of Uncertain Significance. Algorithms developed to predict the effect of missense changes on protein structure and function (SIFT, PolyPhen-2, Align-GVGD) all suggest that this variant is likely to be tolerated, but these predictions have not been confirmed by published functional studies and their clinical significance is uncertain. This variant has not been reported in the literature in individuals with EGFR-related conditions. This variant is not present in population databases (ExAC no frequency). This sequence change replaces glutamine with arginine at codon 504 of the EGFR protein (p.Gln504Arg). The glutamine residue is weakly conserved and there is a small physicochemical difference between glutamine and arginine.